The following is an entry in ClinVar:

NM_004370.6(COL12A1):c.2914A>G (p.Arg972Gly)

Gene: COL12A1 (collagen type XII alpha 1 chain; minus strand). Cytogenetic location: 6q13.
Variant type: single nucleotide variant.
Coding change: c.2914A>G on transcript NM_004370.6 (MANE Select); coding-DNA position 2914, A replaced by G.
Protein change: p.Arg972Gly; replaces arginine 972 with glycine.
Molecular consequence: missense variant. On other transcripts: intron variant (1).
Genome position (GRCh38, 1-based): chr6:75,165,576, T>C on the plus strand (A>G on the coding strand, the complement: COL12A1 is on the minus strand). VCF-style: chr6-75165576-T-C. GRCh37 (hg19) VCF-style: chr6-75875292-T-C.
Other names: c.74-13094A>G (NM_080645.3); short protein forms R972G.
Identifiers: ClinVar variation 1407783 (VCV001407783.8), dbSNP rs1768252416, ClinGen allele CA364757760.

ClinVar aggregate classification (germline): Uncertain significance (1 of 4 stars; one submission).

Conditions:
Bethlem myopathy 2 (BTHLM2). Identifiers: Orphanet 536516, Orphanet 610, MedGen C4225313, MONDO:0034022, OMIM 616471.
Ullrich congenital muscular dystrophy 2 (UCMD2). Identifiers: Orphanet 75840, MedGen C4225314, MONDO:0014654, OMIM 616470.

gnomAD v4.1: 1 of 1,613,974 alleles (0.000062%); highest among the groups gnomAD compares: Non-Finnish European, 0.000085%; no homozygotes.

Submission:

Labcorp Genetics (formerly Invitae), Labcorp
Classification: Uncertain significance for Bethlem myopathy 2; Ullrich congenital muscular dystrophy 2. Last evaluated: 2024-06-13. Review status: criteria provided, single submitter. Criteria: Invitae Variant Classification Sherloc (09022015). Collection method: clinical testing. Allele origin: germline.
Comment: This sequence change replaces arginine, which is basic and polar, with glycine, which is neutral and non-polar, at codon 972 of the COL12A1 protein (p.Arg972Gly). This variant is not present in population databases (gnomAD no frequency). This variant has not been reported in the literature in individuals affected with COL12A1-related conditions. ClinVar contains an entry for this variant (Variation ID: 1407783). Advanced modeling of protein sequence and biophysical properties (such as structural, functional, and spatial information, amino acid conservation, physicochemical variation, residue mobility, and thermodynamic stability) performed at Invitae indicates that this missense variant is not expected to disrupt COL12A1 protein function with a negative predictive value of 80%. In summary, the available evidence is currently insufficient to determine the role of this variant in disease. Therefore, it has been classified as a Variant of Uncertain Significance.